The following is an entry in ClinVar:

NM_000530.8(MPZ):c.617G>A (p.Gly206Glu)

Gene: MPZ (myelin protein zero; minus strand). Cytogenetic location: 1q23.3.
Variant type: single nucleotide variant.
Coding change: c.617G>A on transcript NM_000530.8 (MANE Select); coding-DNA position 617, G replaced by A.
Protein change: p.Gly206Glu; replaces glycine 206 with glutamic acid.
Molecular consequence: missense variant.
Genome position (GRCh38, 1-based): chr1:161,306,136, C>T on the plus strand (G>A on the coding strand, the complement: MPZ is on the minus strand). VCF-style: chr1-161306136-C-T. GRCh37 (hg19) VCF-style: chr1-161275926-C-T.
Other names: c.617G>A, p.Gly206Glu (NM_001315491.2); short protein forms G206E.
Identifiers: ClinVar variation 4540378 (VCV004540378.1).

ClinVar aggregate classification (germline): Uncertain significance (1 of 4 stars; one submission).

Submission:

GeneDx
Classification: Uncertain significance. Last evaluated: 2025-06-26. Review status: criteria provided, single submitter. Criteria: GeneDx Variant Classification Process June 2021. Collection method: clinical testing. Allele origin: germline. Affected: yes.
Comment: Not observed at significant frequency in large population cohorts (gnomAD); Missense variants in this gene are a common cause of disease and they are underrepresented in the general population; In silico analysis suggests that this missense variant does not alter protein structure/function; Has not been previously published as pathogenic or benign to our knowledge; This variant is associated with the following publications: (PMID: 20461396, 26310628)